The following is an entry in ClinVar:

ClinVar aggregate classification (germline): Pathogenic/Likely pathogenic. Review status: criteria provided, multiple submitters, no conflicts (2 of 4 stars). 7 submissions from 7 submitters: Pathogenic (5); Likely pathogenic (2). Last evaluated 2026-02-18.

Conditions:
Hereditary nonpolyposis colon cancer (HNPCC). Also called: Hereditary nonpolyposis colorectal cancer; Familial nonpolyposis colon cancer; Hereditary Nonpolyposis Colorectal Cancer Syndrome. Identifiers: Orphanet 443909, MedGen C1333990, MONDO:0018630. Disease mechanism: loss of function.
Hereditary cancer-predisposing syndrome. Also called: Neoplastic Syndromes, Hereditary; Hereditary neoplastic syndrome; Tumor predisposition; Hereditary Cancer Syndrome. Identifiers: Orphanet 140162, MedGen C0027672, MeSH D009386, MONDO:0015356.
Hereditary nonpolyposis colorectal neoplasms. Identifiers: MedGen C0009405, MeSH D003123.
Lynch syndrome. Identifiers: Orphanet 144, MedGen C4552100, MONDO:0005835. Disease mechanism: loss of function.
Lynch syndrome 5 (LYNCH5). Also called: Colorectal cancer, hereditary nonpolyposis, type 5; Hereditary non-polyposis colorectal cancer, type 5. Identifiers: Orphanet 144, MedGen C1833477, MONDO:0013710, OMIM 614350. Disease mechanism: loss of function.

Submissions (7):

Dasa
Classification: Likely pathogenic. Last evaluated: 2026-02-18. Review status: criteria provided, single submitter. Criteria: DASA Assertion Criteria. Collection method: clinical testing. Allele origin: germline.
Comment: NM_000179.3(MSH6):c.1108_1109del (p.Leu370ArgfsTer4) is a frameshift variant in MSH6 predicted to alter the reading frame and introduce a premature termination codon and is predicted to result in an absent or altered protein product. Loss of function is an established disease mechanism for MSH6 (PMID: 9354786; PMID: 11709755; PMID: 14974087). Also, this variant is rare in population databases. Based on the currently available evidence, this variant is classified as likely pathogenic.

Labcorp Genetics (formerly Invitae), Labcorp
Classification: Pathogenic for Hereditary nonpolyposis colorectal neoplasms. Last evaluated: 2026-01-28. Review status: criteria provided, single submitter. Criteria: Invitae Variant Classification Sherloc (09022015). Collection method: clinical testing. Allele origin: germline.
Comment: This sequence change creates a premature translational stop signal (p.Leu370Argfs*4) in the MSH6 gene. It is expected to result in an absent or disrupted protein product. Loss-of-function variants in MSH6 are known to be pathogenic (PMID: 18269114, 24362816). This variant is present in population databases (rs786204252, gnomAD 0.01%). This premature translational stop signal has been observed in individual(s) with clinical features of MSH6-related conditions (PMID: 26687385). Invitae Evidence Modeling of clinical and family history, age, sex, and reported ancestry of multiple individuals with this MSH6 variant has been performed. This variant is expected to be pathogenic with a positive predictive value of at least 99%. This is a validated machine learning model that incorporates the clinical features of 1,627,235 individuals referred to our laboratory for MSH6 testing. ClinVar contains an entry for this variant (Variation ID: 188393). For these reasons, this variant has been classified as Pathogenic.

Myriad Genetics, Inc.
Classification: Pathogenic for Lynch syndrome 5. Last evaluated: 2023-08-11. Review status: criteria provided, single submitter. Criteria: Myriad Autosomal Dominant, Autosomal Recessive and X-Linked Classification Criteria (2023). Collection method: clinical testing. Allele origin: unknown.
Comment: This variant is considered pathogenic. This variant creates a frameshift predicted to result in premature protein truncation.

Color Diagnostics, LLC DBA Color Health
Classification: Pathogenic for Hereditary cancer-predisposing syndrome. Last evaluated: 2023-06-20. Review status: criteria provided, single submitter. Criteria: ACMG Guidelines, 2015. Collection method: clinical testing. Allele origin: germline.
Comment: This variant deletes 2 nucleotides in exon 4 of the MSH6 gene, creating a frameshift and premature translation stop signal. This variant is expected to result in an absent or non-functional protein product. This variant has been reported in an individual affected with early onset endometrial cancer from a family affected with Lynch syndrome-associated disease (PMID: 26687385). This variant has been identified in 1/250994 chromosomes in the general population by the Genome Aggregation Database (gnomAD). Loss of MSH6 function is a known mechanism of disease. Based on the available evidence, this variant is classified as Pathogenic.

All of Us Research Program, National Institutes of Health
Classification: Pathogenic for Lynch syndrome. Last evaluated: 2023-05-03. Review status: criteria provided, single submitter. Criteria: ACMG Guidelines, 2015. Collection method: clinical testing. Allele origin: germline. Inheritance: Autosomal dominant inheritance. Observed: 1 variant allele, 1 heterozygote.
Comment: The c.1108_1109del (p.Leu370Argfs*4) variant of the MSH6 gene is located on the exon 4 and is predicted to cause reading frame shift that introduces a premature translation termination codon (p.Leu370Argfs*4), resulting in an absent or disrupted protein product. The variant has been reported in 3 individuals with endometrial cancer and 1 individual with colon cancer in a family (PMID: 26687385). Loss-of-function variants located downstream to this position have been reported in individuals with Lynch syndrome-associated cancer (PMID: 20028993). The variant is reported in ClinVar (ID: 188393). The variant is rare in the general population according to gnomAD (1/250994). Therefore, the c.1108_1109del (p.Leu370Argfs*4) variant of MSH6 has been classified as pathogenic.

This study involves interpretation of variants in research participants for the purpose of population health screening. Participant phenotype was not available at the time of variant classification. Additional details can be found in publication PMID: 35346344, PMCID: PMC8962531

Ambry Genetics
Classification: Pathogenic for Hereditary cancer-predisposing syndrome. Last evaluated: 2023-03-09. Review status: criteria provided, single submitter. Criteria: Ambry Variant Classification Scheme 2023. Collection method: clinical testing. Allele origin: germline.
Comment: The c.1108_1109delTT pathogenic mutation, located in coding exon 4 of the MSH6 gene, results from a deletion of two nucleotides at nucleotide positions 1108 to 1109, causing a translational frameshift with a predicted alternate stop codon (p.L370Rfs*4). This alteration is expected to result in loss of function by premature protein truncation or nonsense-mediated mRNA decay. As such, this alteration is interpreted as a disease-causing mutation.

Women's Health and Genetics/Laboratory Corporation of America, LabCorp
Classification: Likely pathogenic for Hereditary nonpolyposis colon cancer. Last evaluated: 2020-08-05. Review status: criteria provided, single submitter. Criteria: LabCorp Variant Classification Summary - May 2015. Collection method: clinical testing. Allele origin: germline.
Comment: Variant summary: MSH6 c.1108_1109delTT (p.Leu370ArgfsX4) results in a premature termination codon, predicted to cause a truncation of the encoded protein or absence of the protein due to nonsense mediated decay, which are commonly known mechanisms for disease. Truncations downstream of this position have been classified as pathogenic by our laboratory. The variant allele was found at a frequency of 4e-06 in 250994 control chromosomes (gnomAD). To our knowledge, no occurrence of c.1108_1109delTT in individuals affected with Hereditary Nonpolyposis Colorectal Cancer and no experimental evidence demonstrating its impact on protein function have been reported. Two ClinVar submitters (evaluation after 2014) cite the variant as pathogenic. Based on the evidence outlined above, the variant was classified as likely pathogenic.

Literature cited by the submitters: PubMed 9354786 (cited by Dasa); PubMed 11709755 (cited by Dasa); PubMed 14974087 (cited by Dasa); PubMed 18269114 (cited by Labcorp Genetics (formerly Invitae), Labcorp); PubMed 24362816 (cited by Labcorp Genetics (formerly Invitae), Labcorp); PubMed 26687385 (cited by 3 submitters); PubMed 20028993 (cited by All of Us Research Program, National Institutes of Health).

NM_000179.3(MSH6):c.1108_1109del (p.Leu370fs)

Gene: MSH6 (mutS homolog 6; plus strand). Cytogenetic location: 2p16.3.
Variant type: Deletion.
Coding change: c.1108_1109del on transcript NM_000179.3 (MANE Select); coding-DNA positions 1108 to 1109, 2 bases deleted (TT; older notation c.1108_1109delTT).
Protein change: p.Leu370fs; shifts the reading frame from leucine 370.
Molecular consequence: frameshift variant.
Genome position (GRCh38, 1-based): chr2:47,799,091-47,799,092, TT deleted; deleting any 2 consecutive bases within chr2:47,799,090-47,799,092 gives the same sequence; the c. name uses the placement nearest the transcript's 3' end. VCF-style (leftmost placement, unchanged base first): chr2-47799089-CTT-C. GRCh37 (hg19) VCF-style: chr2-48026228-CTT-C.
Other names: c.718_719del, p.Leu240fs (NM_001281492.2); c.202_203del, p.Leu68fs (NM_001281493.2, NM_001281494.2); c.1107_1108delTT (NM_000179.2); c.1108_1109delTT (NM_000179.2); short protein forms L68fs, L240fs, L370fs.
Identifiers: ClinVar variation 188393 (VCV000188393.24), dbSNP rs786204252, ClinGen allele CA008050.